The following is an entry in ClinVar:

ClinVar aggregate classification (germline): Uncertain significance (1 of 4 stars; one submission).

Conditions:
Hereditary cancer-predisposing syndrome. Also called: Hereditary neoplastic syndrome; Neoplastic Syndromes, Hereditary; Tumor predisposition; Hereditary Cancer Syndrome. Identifiers: Orphanet 140162, MedGen C0027672, MeSH D009386, MONDO:0015356.

Submission:

Ambry Genetics
Classification: Uncertain significance for Hereditary cancer-predisposing syndrome. Last evaluated: 2025-02-27. Review status: criteria provided, single submitter. Criteria: Ambry Variant Classification Scheme 2023. Collection method: clinical testing. Allele origin: germline.
Comment: The p.R529P variant (also known as c.1586G>C), located in coding exon 7 of the BARD1 gene, results from a G to C substitution at nucleotide position 1586. The arginine at codon 529 is replaced by proline, an amino acid with dissimilar properties. This amino acid position is conserved. In addition, this alteration is predicted to be deleterious by in silico analysis. Based on the available evidence, the clinical significance of this variant remains unclear.

NM_000465.4(BARD1):c.1586G>C (p.Arg529Pro)

Gene: BARD1 (BRCA1 associated RING domain 1; minus strand). Cytogenetic location: 2q35.
Variant type: single nucleotide variant.
Coding change: c.1586G>C on transcript NM_000465.4 (MANE Select); coding-DNA position 1586, G replaced by C.
Protein change: p.Arg529Pro; replaces arginine 529 with proline.
Molecular consequence: missense variant. On other transcripts: non-coding transcript variant (3), intron variant (1).
Genome position (GRCh38, 1-based): chr2:214,752,538, C>G on the plus strand (G>C on the coding strand, the complement: BARD1 is on the minus strand). VCF-style: chr2-214752538-C-G. GRCh37 (hg19) VCF-style: chr2-215617262-C-G.
Other names: c.1529G>C, p.Arg510Pro (NM_001282543.2); c.233G>C, p.Arg78Pro (NM_001282545.2); c.176G>C, p.Arg59Pro (NM_001282548.2); c.365-22030G>C (NM_001282549.2); short protein forms R78P, R529P, R510P, R59P.
Identifiers: ClinVar variation 3820743 (VCV003820743.1).